The following is an entry in ClinVar:

ClinVar aggregate classification (germline): Conflicting classifications of pathogenicity. Review status: criteria provided, conflicting classifications (1 of 4 stars). 2 submissions from 2 submitters: Uncertain significance (1); Likely benign (1). Last evaluated 2026-08-07.

Conditions:
Multiple endocrine neoplasia, type 2 (MEN2). Identifiers: Orphanet 653, MedGen C4048306, MONDO:0019003. Disease mechanism: gain of function.
Hereditary cancer-predisposing syndrome. Also called: Tumor predisposition; Hereditary Cancer Syndrome; Hereditary neoplastic syndrome; Neoplastic Syndromes, Hereditary. Identifiers: Orphanet 140162, MedGen C0027672, MeSH D009386, MONDO:0015356.

Allele frequency attached by ClinVar (database versions not stated): gnomAD exomes below 0.00001.
gnomAD v4.1: 2 of 1,614,130 alleles (0.00012%); highest among the groups gnomAD compares: South Asian, 0.0022%; no homozygotes.

Submissions (2):

Ambry Genetics
Classification: Likely benign for Hereditary cancer-predisposing syndrome. Last evaluated: 2026-08-07. Review status: criteria provided, single submitter. Criteria: Ambry Variant Classification Scheme 2023. Collection method: clinical testing. Allele origin: germline.

Labcorp Genetics (formerly Invitae), Labcorp
Classification: Uncertain significance for Multiple endocrine neoplasia, type 2. Last evaluated: 2025-01-14. Review status: criteria provided, single submitter. Criteria: Invitae Variant Classification Sherloc (09022015). Collection method: clinical testing. Allele origin: germline.
Comment: This sequence change replaces asparagine, which is neutral and polar, with serine, which is neutral and polar, at codon 437 of the RET protein (p.Asn437Ser). This variant is present in population databases (no rsID available, gnomAD 0.003%). This variant has not been reported in the literature in individuals affected with RET-related conditions. ClinVar contains an entry for this variant (Variation ID: 1038426). An algorithm developed to predict the effect of missense changes on protein structure and function outputs the following: PolyPhen-2: "Benign". The serine amino acid residue is found in multiple mammalian species, which suggests that this missense change does not adversely affect protein function. In summary, the available evidence is currently insufficient to determine the role of this variant in disease. Therefore, it has been classified as a Variant of Uncertain Significance.

NM_020975.6(RET):c.1310A>G (p.Asn437Ser)

Gene: RET (ret proto-oncogene; plus strand). Cytogenetic location: 10q11.21.
Variant type: single nucleotide variant.
Coding change: c.1310A>G on transcript NM_020975.6 (MANE Select); coding-DNA position 1310, A replaced by G.
Protein change: p.Asn437Ser; replaces asparagine 437 with serine.
Molecular consequence: missense variant.
Genome position (GRCh38, 1-based): chr10:43,111,253, A>G. VCF-style: chr10-43111253-A-G. GRCh37 (hg19) VCF-style: chr10-43606701-A-G.
Other names: c.1022A>G, p.Asn341Ser (NM_001406766.1, NM_001406767.1, NM_001406770.1); c.1181A>G, p.Asn394Ser (NM_001406768.1, NM_001406761.1, NM_001406762.1 and 1 more transcripts); c.914A>G, p.Asn305Ser (NM_001406769.1, NM_001406772.1); c.872A>G, p.Asn291Ser (NM_001406771.1, NM_001406773.1); c.785A>G, p.Asn262Ser (NM_001406774.1); c.584A>G, p.Asn195Ser (NM_001406775.1, NM_001406776.1, NM_001406777.1 and 1 more transcripts); c.1310A>G, p.Asn437Ser (NM_000323.2, NM_001406743.1, NM_001406744.1 and 6 more transcripts); c.548A>G, p.Asn183Ser (NM_001355216.2); and 1 more; short protein forms N437S, N183S, N195S, N262S, N341S, N107S, N305S, N291S.
Identifiers: ClinVar variation 1038426 (VCV001038426.11), dbSNP rs1260532632, ClinGen allele CA376548978.